The following is an entry in ClinVar:

NM_000760.4(CSF3R):c.844-3C>T

Gene: CSF3R (colony stimulating factor 3 receptor; minus strand). Cytogenetic location: 1p34.3.
Variant type: single nucleotide variant.
Coding change: c.844-3C>T on transcript NM_000760.4 (MANE Select); 3 bases into the intron before coding-DNA position 844, C replaced by T.
Molecular consequence: intron variant.
Genome position (GRCh38, 1-based): chr1:36,472,394, G>A on the plus strand (C>T on the coding strand, the complement: CSF3R is on the minus strand). VCF-style: chr1-36472394-G-A. GRCh37 (hg19) VCF-style: chr1-36937995-G-A.
Other names: c.844-3C>T (NM_156039.3, NM_172313.3).
Identifiers: ClinVar variation 3719597 (VCV003719597.2).

ClinVar aggregate classification (germline): Uncertain significance (1 of 4 stars; one submission).

Conditions:
Autosomal recessive severe congenital neutropenia due to CSF3R deficiency. Also called: Neutropenia, severe congenital, 7, autosomal recessive. Identifiers: Orphanet 420702, MedGen C4310764, MONDO:0014865, OMIM 617014.

gnomAD v4.1: 10 of 1,613,962 alleles (0.00062%); highest among the groups gnomAD compares: Non-Finnish European, 0.00085%; no homozygotes.

Submission:

Labcorp Genetics (formerly Invitae), Labcorp
Classification: Uncertain significance for Autosomal recessive severe congenital neutropenia due to CSF3R deficiency. Last evaluated: 2024-09-29. Review status: criteria provided, single submitter. Criteria: Invitae Variant Classification Sherloc (09022015). Collection method: clinical testing. Allele origin: germline.
Comment: This sequence change falls in intron 7 of the CSF3R gene. It does not directly change the encoded amino acid sequence of the CSF3R protein. It affects a nucleotide within the consensus splice site. This variant is present in population databases (rs747876471, gnomAD 0.0009%). This variant has not been reported in the literature in individuals affected with CSF3R-related conditions. Variants that disrupt the consensus splice site are a relatively common cause of aberrant splicing (PMID: 17576681, 9536098). Algorithms developed to predict the effect of sequence changes on RNA splicing suggest that this variant is not likely to affect RNA splicing. In summary, the available evidence is currently insufficient to determine the role of this variant in disease. Therefore, it has been classified as a Variant of Uncertain Significance.

Literature cited by the submitters: PubMed 17576681; PubMed 9536098.